The following is an entry in ClinVar:

ClinVar aggregate classification (germline): Uncertain significance (1 of 4 stars; one submission).

Allele frequency attached by ClinVar (database versions not stated): gnomAD exomes below 0.00001.
gnomAD v4.1: 4 of 1,596,002 alleles (0.00025%); highest among the groups gnomAD compares: South Asian, 0.0033%; no homozygotes.

Submission:

Ambry Genetics
Classification: Uncertain significance. Last evaluated: 2023-02-27. Review status: criteria provided, single submitter. Criteria: Ambry Variant Classification Scheme 2023. Collection method: clinical testing. Allele origin: germline.
Comment: The p.A2547T variant (also known as c.7639G>A), located in coding exon 29 of the POLQ gene, results from a G to A substitution at nucleotide position 7639. The alanine at codon 2547 is replaced by threonine, an amino acid with similar properties. This amino acid position is conserved. In addition, the in silico prediction for this alteration is inconclusive. Since supporting evidence is limited at this time, the clinical significance of this alteration remains unclear.

NM_199420.4(POLQ):c.7639G>A (p.Ala2547Thr)

Gene: POLQ (DNA polymerase theta; minus strand). Cytogenetic location: 3q13.33.
Variant type: single nucleotide variant.
Coding change: c.7639G>A on transcript NM_199420.4 (MANE Select); coding-DNA position 7639, G replaced by A.
Protein change: p.Ala2547Thr; replaces alanine 2547 with threonine.
Molecular consequence: missense variant.
Genome position (GRCh38, 1-based): chr3:121,432,938, C>T on the plus strand (G>A on the coding strand, the complement: POLQ is on the minus strand). VCF-style: chr3-121432938-C-T. GRCh37 (hg19) VCF-style: chr3-121151785-C-T.
Other names: short protein forms A2547T.
Identifiers: ClinVar variation 2449033 (VCV002449033.2), dbSNP rs1409279410, ClinGen allele CA354093563.